The following is an entry in ClinVar:

ClinVar aggregate classification (germline): Likely benign. Review status: criteria provided, multiple submitters, no conflicts (2 of 4 stars). 4 submissions from 4 submitters: Likely benign (4). Last evaluated 2023-12-13.

Conditions:
Inborn genetic diseases. Identifiers: MedGen C0950123, MeSH D030342.
Hereditary sensory and autonomic neuropathy type 1 (HSAN1). Also called: Hereditary Sensory Neuropathy Type I; HSAN 1; HSN Type I. Identifiers: Orphanet 36386, MedGen C0020071, MONDO:0018213.
Neuropathy, hereditary sensory and autonomic, type 1A (HSAN1A). Also called: HSAN IA; HSN IA; NEUROPATHY, HEREDITARY SENSORY RADICULAR, AUTOSOMAL DOMINANT, TYPE 1A; SPTLC1-Related Hereditary Sensory Neuropathy; NEUROPATHY, HEREDITARY SENSORY AND AUTONOMIC, TYPE IA. Identifiers: MedGen C5235211, MONDO:0008086, OMIM 162400.

Allele frequency attached by ClinVar (database versions not stated): gnomAD 0.00002 and 0.00003; gnomAD exomes 0.00002 and 0.00003; ExAC 0.00002; TOPMed 0.00003.
gnomAD v4.1: 28 of 1,613,910 alleles (0.0017%); highest among the groups gnomAD compares: Middle Eastern, 0.016%; no homozygotes.

Submissions (4):

Labcorp Genetics (formerly Invitae), Labcorp
Classification: Likely benign for Hereditary sensory and autonomic neuropathy type 1. Last evaluated: 2023-12-13. Review status: criteria provided, single submitter. Criteria: Invitae Variant Classification Sherloc (09022015). Collection method: clinical testing. Allele origin: germline.

Ambry Genetics
Classification: Likely benign for Inborn genetic diseases. Last evaluated: 2019-07-11. Review status: criteria provided, single submitter. Criteria: Ambry Variant Classification Scheme 2023. Collection method: clinical testing. Allele origin: germline.

Illumina Laboratory Services, Illumina
Classification: Likely benign for Neuropathy, hereditary sensory and autonomic, type 1A. Last evaluated: 2018-01-13. Review status: criteria provided, single submitter. Criteria: ICSL Variant Classification Criteria 13 December 2019. Collection method: clinical testing. Allele origin: germline.
Comment: This variant was observed in the ICSL laboratory as part of a predisposition screen in an ostensibly healthy population. It had not been previously curated by ICSL or reported in the Human Gene Mutation Database (HGMD: prior to June 1st, 2018), and was therefore a candidate for classification through an automated scoring system. Utilizing variant allele frequency, disease prevalence and penetrance estimates, and inheritance mode, an automated score was calculated to assess if this variant is too frequent to cause the disease. Based on the score and internal cut-off values, a variant classified as likely benign is not then subjected to further curation. The score for this variant resulted in a classification of likely benign for this disease.

GeneDx
Classification: Likely benign. Last evaluated: 2017-07-10. Review status: criteria provided, single submitter. Criteria: GeneDx Variant Classification (06012015). Collection method: clinical testing. Allele origin: germline. Affected: yes.
Comment: This variant is considered likely benign or benign based on one or more of the following criteria: it is a conservative change, it occurs at a poorly conserved position in the protein, it is predicted to be benign by multiple in silico algorithms, and/or has population frequency not consistent with disease.

NM_006415.4(SPTLC1):c.1221A>G (p.Gln407=)

Gene: SPTLC1 (serine palmitoyltransferase long chain base subunit 1; minus strand). Cytogenetic location: 9q22.31.
Variant type: single nucleotide variant.
Coding change: c.1221A>G on transcript NM_006415.4 (MANE Select); coding-DNA position 1221, A replaced by G.
Protein change: p.Gln407=; no amino-acid change (glutamine 407 retained).
Molecular consequence: synonymous variant.
Genome position (GRCh38, 1-based): chr9:92,038,281, T>C on the plus strand (A>G on the coding strand, the complement: SPTLC1 is on the minus strand). VCF-style: chr9-92038281-T-C. GRCh37 (hg19) VCF-style: chr9-94800563-T-C.
Other names: c.1221A>G (LRG_272t1); c.1221A>G, p.Gln407= (NM_001281303.2); c.855A>G, p.Gln285= (NM_001368272.1); c.756A>G, p.Gln252= (NM_001368273.1).
Identifiers: ClinVar variation 367545 (VCV000367545.17), dbSNP rs201413090, ClinGen allele CA5121277.
Genomic context (GRCh38, chr9:92,038,281, plus strand): 5'-GGATGCCTCAAGTCAACGGATACTTACTTGATCTACAATTTCCTGAAGCAGTCTGACATC[T>C]TGCTCGCGAGACCCAGTGCTCTCTTCCAGTTGTAGGTGAAAGGCTGGAGAAAGGGACTCC-3'
Protein context (NP_006406.1, residues 397-417): QLEESTGSRE[Gln407=]DVRLLQEIVD